The following is an entry in ClinVar:

NM_004380.3(CREBBP):c.401C>T (p.Pro134Leu)

Gene: CREBBP (CREB binding lysine acetyltransferase; minus strand). Cytogenetic location: 16p13.3.
Variant type: single nucleotide variant.
Coding change: c.401C>T on transcript NM_004380.3 (MANE Select); coding-DNA position 401, C replaced by T.
Protein change: p.Pro134Leu; replaces proline 134 with leucine.
Molecular consequence: missense variant.
Genome position (GRCh38, 1-based): chr16:3,850,694, G>A on the plus strand (C>T on the coding strand, the complement: CREBBP is on the minus strand). VCF-style: chr16-3850694-G-A. GRCh37 (hg19) VCF-style: chr16-3900695-G-A.
Other names: c.401C>T, p.Pro134Leu (NM_001079846.1); short protein forms P134L.
Identifiers: ClinVar variation 1310588 (VCV001310588.3), dbSNP rs950454435, ClinGen allele CA276987272.

ClinVar aggregate classification (germline): Uncertain significance. Review status: criteria provided, multiple submitters, no conflicts (2 of 4 stars). 2 submissions from 2 submitters: Uncertain significance (2). Last evaluated 2025-06-18.

Conditions:
CREBBP-related disorder. Also called: CREBBP-related condition; CREBBP-related disorders.

Allele frequency attached by ClinVar (database versions not stated): gnomAD exomes below 0.00001 and 0.00001.
gnomAD v4.1: 3 of 1,614,158 alleles (0.00019%); highest among the groups gnomAD compares: Non-Finnish European, 0.00025%; no homozygotes.

Submissions (2):

PreventionGenetics, part of Exact Sciences
Classification: Uncertain significance for CREBBP-related condition. Last evaluated: 2025-06-18. Review status: criteria provided, single submitter. Criteria: ACMG Guidelines, 2015. Collection method: clinical testing. Allele origin: germline.
Comment: The CREBBP c.401C>T variant is predicted to result in the amino acid substitution p.Pro134Leu. To our knowledge, this variant has not been reported in the literature. This variant is reported in 0.00088% of alleles in individuals of European (Non-Finnish) descent in gnomAD. At this time, the clinical significance of this variant is uncertain due to the absence of conclusive functional and genetic evidence.

GeneDx
Classification: Uncertain significance. Last evaluated: 2019-11-27. Review status: criteria provided, single submitter. Criteria: GeneDx Variant Classification Process June 2021. Collection method: clinical testing. Allele origin: germline. Affected: yes.
Comment: Has not been previously published as pathogenic or benign to our knowledge; Not observed at a significant frequency in large population cohorts (Lek 2016); In silico analysis, which includes protein predictors and evolutionary conservation, supports that this variant does not alter protein structure/function